The following is an entry in ClinVar:

NM_025144.4(ALPK1):c.1585A>G (p.Arg529Gly)

Gene: ALPK1 (alpha kinase 1; plus strand). Cytogenetic location: 4q25.
Variant type: single nucleotide variant.
Coding change: c.1585A>G on transcript NM_025144.4 (MANE Select); coding-DNA position 1585, A replaced by G.
Protein change: p.Arg529Gly; replaces arginine 529 with glycine.
Molecular consequence: missense variant.
Genome position (GRCh38, 1-based): chr4:112,431,132, A>G. VCF-style: chr4-112431132-A-G. GRCh37 (hg19) VCF-style: chr4-113352288-A-G.
Other names: c.1585A>G, p.Arg529Gly (NM_001102406.2); c.1351A>G, p.Arg451Gly (NM_001253884.2); short protein forms R529G, R451G.
Identifiers: ClinVar variation 2831970 (VCV002831970.3), dbSNP rs1734526622, ClinGen allele CA357895671.
Genomic context (GRCh38, chr4:112,431,132, plus strand): 5'-AAGCCACATTGTCAAAGAGACACAGGAATATCTTCCTCCCTAATGGGTAAGAATGTTCAG[A>G]GGGAACTCAGAAGGGGAGGAAGGAGAAACTGGACCCATTCTGATGCATTTCGAGTCTCCT-3'
Protein context (NP_079420.3, residues 519-539): SSSLMGKNVQ[Arg529Gly]ELRRGGRRNW

ClinVar aggregate classification (germline): Uncertain significance (1 of 4 stars; one submission).

Submission:

Labcorp Genetics (formerly Invitae), Labcorp
Classification: Uncertain significance. Last evaluated: 2023-10-17. Review status: criteria provided, single submitter. Criteria: Invitae Variant Classification Sherloc (09022015). Collection method: clinical testing. Allele origin: germline.
Comment: This sequence change replaces arginine, which is basic and polar, with glycine, which is neutral and non-polar, at codon 529 of the ALPK1 protein (p.Arg529Gly). This variant is not present in population databases (gnomAD no frequency). This variant has not been reported in the literature in individuals affected with ALPK1-related conditions. Advanced modeling of protein sequence and biophysical properties (such as structural, functional, and spatial information, amino acid conservation, physicochemical variation, residue mobility, and thermodynamic stability) performed at Invitae indicates that this missense variant is not expected to disrupt ALPK1 protein function. In summary, the available evidence is currently insufficient to determine the role of this variant in disease. Therefore, it has been classified as a Variant of Uncertain Significance.